The following is an entry in ClinVar:

NM_001252024.2(TRPM1):c.1690G>A (p.Gly564Arg)

Gene: TRPM1 (transient receptor potential cation channel subfamily M member 1; minus strand). Cytogenetic location: 15q13.3.
Variant type: single nucleotide variant.
Coding change: c.1690G>A on transcript NM_001252024.2 (MANE Select); coding-DNA position 1690, G replaced by A.
Protein change: p.Gly564Arg; replaces glycine 564 with arginine.
Molecular consequence: missense variant.
Genome position (GRCh38, 1-based): chr15:31,047,185, C>T on the plus strand (G>A on the coding strand, the complement: TRPM1 is on the minus strand). VCF-style: chr15-31047185-C-T. GRCh37 (hg19) VCF-style: chr15-31339388-C-T.
Other names: c.1741G>A, p.Gly581Arg (NM_001252020.2); c.1624G>A, p.Gly542Arg (NM_002420.6); short protein forms G581R, G564R, G542R.
Identifiers: ClinVar variation 1411186 (VCV001411186.8), dbSNP rs1238075815, ClinGen allele CA391515278.

ClinVar aggregate classification (germline): Uncertain significance (1 of 4 stars; one submission).

Allele frequency attached by ClinVar (database versions not stated): gnomAD exomes below 0.00001; TOPMed below 0.00001.
gnomAD v4.1: 6 of 1,614,204 alleles (0.00037%); highest among the groups gnomAD compares: Non-Finnish European, 0.00051%; no homozygotes.

Submission:

Labcorp Genetics (formerly Invitae), Labcorp
Classification: Uncertain significance. Last evaluated: 2021-07-12. Review status: criteria provided, single submitter. Criteria: Invitae Variant Classification Sherloc (09022015). Collection method: clinical testing. Allele origin: germline.
Comment: This sequence change replaces glycine with arginine at codon 542 of the TRPM1 protein (p.Gly542Arg). The glycine residue is highly conserved and there is a moderate physicochemical difference between glycine and arginine. This variant is not present in population databases (ExAC no frequency). This variant has not been reported in the literature in individuals affected with TRPM1-related conditions. Algorithms developed to predict the effect of missense changes on protein structure and function are either unavailable or do not agree on the potential impact of this missense change (SIFT: "Deleterious"; PolyPhen-2: "Probably Damaging"; Align-GVGD: "Class C15"). In summary, the available evidence is currently insufficient to determine the role of this variant in disease. Therefore, it has been classified as a Variant of Uncertain Significance.